The following is an entry in ClinVar:

ClinVar aggregate classification (germline): Uncertain significance (1 of 4 stars; one submission).

Conditions:
SCP2-related disorder. Also called: SCP2-related condition.

gnomAD v4.1: 2 of 1,612,078 alleles (0.00012%); highest among the groups gnomAD compares: Non-Finnish European, 0.00017%; no homozygotes.

Submission:

PreventionGenetics, part of Exact Sciences
Classification: Uncertain significance for SCP2-related condition. Last evaluated: 2026-02-11. Review status: criteria provided, single submitter. Criteria: ACMG Guidelines, 2015. Collection method: clinical testing. Allele origin: germline.
Comment: The SCP2 c.1279G>C variant is predicted to result in the amino acid substitution p.Ala427Pro. To our knowledge, this variant has not been reported in the literature. This variant is reported in 0.00088% of alleles in individuals of European (Non-Finnish) descent in gnomAD. At this time, the clinical significance of this variant is uncertain due to the absence of conclusive functional and genetic evidence.

NM_002979.5(SCP2):c.1279G>C (p.Ala427Pro)

Gene: SCP2 (sterol carrier protein 2; plus strand). Cytogenetic location: 1p32.3.
Variant type: single nucleotide variant.
Coding change: c.1279G>C on transcript NM_002979.5 (MANE Select); coding-DNA position 1279, G replaced by C.
Protein change: p.Ala427Pro; replaces alanine 427 with proline.
Molecular consequence: missense variant.
Genome position (GRCh38, 1-based): chr1:53,028,012, G>C. VCF-style: chr1-53028012-G-C. GRCh37 (hg19) VCF-style: chr1-53493684-G-C.
Other names: c.67G>C, p.Ala23Pro (NM_001007099.3, NM_001007250.3); c.58G>C, p.Ala20Pro (NM_001007100.3); c.1207G>C, p.Ala403Pro (NM_001193599.2); c.1147G>C, p.Ala383Pro (NM_001193600.2); c.1036G>C, p.Ala346Pro (NM_001193617.2); short protein forms A20P, A346P, A383P, A23P, A403P, A427P.
Identifiers: ClinVar variation 4990487 (VCV004990487.1).